The following is an entry in ClinVar:

NM_014423.4(AFF4):c.73G>C (p.Glu25Gln)

Gene: AFF4 (ALF transcription elongation factor 4; minus strand). Cytogenetic location: 5q31.1.
Variant type: single nucleotide variant.
Coding change: c.73G>C on transcript NM_014423.4 (MANE Select); coding-DNA position 73, G replaced by C.
Protein change: p.Glu25Gln; replaces glutamic acid 25 with glutamine.
Molecular consequence: missense variant.
Genome position (GRCh38, 1-based): chr5:132,937,117, C>G on the plus strand (G>C on the coding strand, the complement: AFF4 is on the minus strand). VCF-style: chr5-132937117-C-G. GRCh37 (hg19) VCF-style: chr5-132272809-C-G.
Other names: short protein forms E25Q.
Identifiers: ClinVar variation 2752136 (VCV002752136.3), dbSNP rs200813877, ClinGen allele CA360964844.
Genomic context (GRCh38, chr5:132,937,117, plus strand): 5'-GGCAACTTACAACTTTGTATGGCTCTGCAAAGAGAGGAGAGCTAGGTGGGAAGGCGTCTT[C>G]GCCCTGCTGAATTTCCTGATTCCGCCTTTCCCGTTCTTTCATACGCAGCACATTCCGGTC-3'
Protein context (NP_055238.1, residues 15-35): ERRNQEIQQG[Glu25Gln]DAFPPSSPLF

ClinVar aggregate classification (germline): Uncertain significance (1 of 4 stars; one submission).

Conditions:
Cognitive impairment - coarse facies - heart defects - obesity - pulmonary involvement - short stature - skeletal dysplasia syndrome. Also called: AFF4-Related CHOPS Syndrome; COGNITIVE IMPAIRMENT, COARSE FACIES, HEART DEFECTS, OBESITY, PULMONARY INVOLVEMENT, SHORT STATURE, AND SKELETAL DYSPLASIA; Chops syndrome. Identifiers: Orphanet 444077, MedGen C4085597, MONDO:0014609, OMIM 616368.

Submission:

Labcorp Genetics (formerly Invitae), Labcorp
Classification: Uncertain significance for Cognitive impairment - coarse facies - heart defects - obesity - pulmonary involvement - short stature - skeletal dysplasia syndrome. Last evaluated: 2023-08-11. Review status: criteria provided, single submitter. Criteria: Invitae Variant Classification Sherloc (09022015). Collection method: clinical testing. Allele origin: germline.
Comment: This variant has not been reported in the literature in individuals affected with AFF4-related conditions. This variant is not present in population databases (gnomAD no frequency). This sequence change replaces glutamic acid, which is acidic and polar, with glutamine, which is neutral and polar, at codon 25 of the AFF4 protein (p.Glu25Gln). Advanced modeling of protein sequence and biophysical properties (such as structural, functional, and spatial information, amino acid conservation, physicochemical variation, residue mobility, and thermodynamic stability) performed at Invitae indicates that this missense variant is not expected to disrupt AFF4 protein function. In summary, the available evidence is currently insufficient to determine the role of this variant in disease. Therefore, it has been classified as a Variant of Uncertain Significance.